The following is an entry in ClinVar:

ClinVar aggregate classification (germline): Uncertain significance. Review status: criteria provided, multiple submitters, no conflicts (2 of 4 stars). 2 submissions from 2 submitters: Uncertain significance (2). Last evaluated 2019-07-11.

Conditions:
Bethlem myopathy 2 (BTHLM2). Identifiers: Orphanet 536516, Orphanet 610, MedGen C4225313, MONDO:0034022, OMIM 616471.

gnomAD v4.1: 1 of 1,614,194 alleles (0.000062%); highest among the groups gnomAD compares: Non-Finnish European, 0.000085%; no homozygotes.

Submissions (2):

Revvity Omics, Revvity
Classification: Uncertain significance. Last evaluated: 2019-07-11. Review status: criteria provided, single submitter. Criteria: ACMG Guidelines, 2015. Collection method: clinical testing. Allele origin: germline.

Neuberg Centre For Genomic Medicine, NCGM
Classification: Uncertain significance for Bethlem myopathy 2. Review status: criteria provided, single submitter. Criteria: ACMG Guidelines, 2015. Collection method: clinical testing. Allele origin: germline. Inheritance: Autosomal dominant inheritance. Affected: yes.
Comment: The c.2594C>G (p.Thr865Arg) missense variant in COL12A1 gene has not been reported previously as a pathogenic variant nor as a benign variant, to our knowledge. The p.Thr865Arg variant is novel (not in any individuals) in gnomAD Exomes and 1000 Genomes. The amino acid Thr at position 865 is changed to a Arg changing protein sequence and it might alter its composition and physico-chemical properties. This variant has not been reported to the ClinVar database. The amino acid change p.Thr865Arg in COL12A1 is predicted as conserved by GERP++ and PhyloP across 100 vertebrates. For these reasons, this variant has been classified as Variant of Uncertain Significance (VUS).

NM_004370.6(COL12A1):c.2594C>G (p.Thr865Arg)

Gene: COL12A1 (collagen type XII alpha 1 chain; minus strand). Cytogenetic location: 6q13.
Variant type: single nucleotide variant.
Coding change: c.2594C>G on transcript NM_004370.6 (MANE Select); coding-DNA position 2594, C replaced by G.
Protein change: p.Thr865Arg; replaces threonine 865 with arginine.
Molecular consequence: missense variant. On other transcripts: intron variant (1).
Genome position (GRCh38, 1-based): chr6:75,175,154, G>C on the plus strand (C>G on the coding strand, the complement: COL12A1 is on the minus strand). VCF-style: chr6-75175154-G-C. GRCh37 (hg19) VCF-style: chr6-75884870-G-C.
Other names: c.74-22672C>G (NM_080645.3); short protein forms T865R.
Identifiers: ClinVar variation 2440237 (VCV002440237.3), dbSNP rs1768862517, ClinGen allele CA364761693.
Genomic context (GRCh38, chr6:75,175,154, plus strand): 5'-GCTGTCACAGATAAGGCGTATTGTGTCCCTTCCTTCAATCCCTGCAGCACCGTATTGGTT[G>C]TATCTCCCCTCACAGTGACCTCTTGAGTTTCACCCCCTGCCACTGGGGTATATGTGACGA-3'
Protein context (NP_004361.3, residues 855-875): ETQEVTVRGD[Thr865Arg]TNTVLQGLKE